The following is an entry in ClinVar:

NM_001184.4(ATR):c.2786A>C (p.Tyr929Ser)

Gene: ATR (ATR checkpoint kinase; minus strand). Cytogenetic location: 3q23.
Variant type: single nucleotide variant.
Coding change: c.2786A>C on transcript NM_001184.4 (MANE Select); coding-DNA position 2786, A replaced by C.
Protein change: p.Tyr929Ser; replaces tyrosine 929 with serine.
Molecular consequence: missense variant.
Genome position (GRCh38, 1-based): chr3:142,553,246, T>G on the plus strand (A>C on the coding strand, the complement: ATR is on the minus strand). VCF-style: chr3-142553246-T-G. GRCh37 (hg19) VCF-style: chr3-142272088-T-G.
Other names: c.2594A>C, p.Tyr865Ser (NM_001354579.2); short protein forms Y865S, Y929S.
Identifiers: ClinVar variation 1795979 (VCV001795979.5), dbSNP rs1463033167, ClinGen allele CA354814229.

ClinVar aggregate classification (germline): Uncertain significance. Review status: criteria provided, multiple submitters, no conflicts (2 of 4 stars). 2 submissions from 2 submitters: Uncertain significance (2). Last evaluated 2024-11-16.

Conditions:
Inborn genetic diseases. Identifiers: MedGen C0950123, MeSH D030342.

gnomAD v4.1: 1 of 1,614,178 alleles (0.000062%); highest among the groups gnomAD compares: African/African-American, 0.0013%; no homozygotes.

Submissions (2):

Ambry Genetics
Classification: Uncertain significance for Inborn genetic diseases. Last evaluated: 2024-11-16. Review status: criteria provided, single submitter. Criteria: Ambry Variant Classification Scheme 2023. Collection method: clinical testing. Allele origin: germline.
Comment: The p.Y929S variant (also known as c.2786A>C), located in coding exon 13 of the ATR gene, results from an A to C substitution at nucleotide position 2786. The tyrosine at codon 929 is replaced by serine, an amino acid with dissimilar properties. This amino acid position is conserved. In addition, this alteration is predicted to be deleterious by in silico analysis. Since supporting evidence is limited at this time, the clinical significance of this alteration remains unclear.

Labcorp Genetics (formerly Invitae), Labcorp
Classification: Uncertain significance. Last evaluated: 2024-11-04. Review status: criteria provided, single submitter. Criteria: Invitae Variant Classification Sherloc (09022015). Collection method: clinical testing. Allele origin: germline.
Comment: This sequence change replaces tyrosine, which is neutral and polar, with serine, which is neutral and polar, at codon 929 of the ATR protein (p.Tyr929Ser). This variant is not present in population databases (gnomAD no frequency). This variant has not been reported in the literature in individuals affected with ATR-related conditions. ClinVar contains an entry for this variant (Variation ID: 1795979). An algorithm developed to predict the effect of missense changes on protein structure and function (PolyPhen-2) suggests that this variant is likely to be disruptive. In summary, the available evidence is currently insufficient to determine the role of this variant in disease. Therefore, it has been classified as a Variant of Uncertain Significance.